The following is an entry in ClinVar:

ClinVar aggregate classification (germline): Uncertain significance (1 of 4 stars; one submission).

gnomAD v4.1: 5 of 1,456,986 alleles (0.00034%); highest among the groups gnomAD compares: Non-Finnish European, 0.00045%; no homozygotes.

Submission:

Labcorp Genetics (formerly Invitae), Labcorp
Classification: Uncertain significance. Last evaluated: 2023-07-17. Review status: criteria provided, single submitter. Criteria: Invitae Variant Classification Sherloc (09022015). Collection method: clinical testing. Allele origin: germline.
Comment: In summary, the available evidence is currently insufficient to determine the role of this variant in disease. Therefore, it has been classified as a Variant of Uncertain Significance. Algorithms developed to predict the effect of missense changes on protein structure and function output the following: SIFT: "Not Available"; PolyPhen-2: "Benign"; Align-GVGD: "Not Available". The serine amino acid residue is found in multiple mammalian species, which suggests that this missense change does not adversely affect protein function. ClinVar contains an entry for this variant (Variation ID: 1479252). This variant has not been reported in the literature in individuals affected with PRDM13-related conditions. This variant is not present in population databases (gnomAD no frequency). This sequence change replaces glycine, which is neutral and non-polar, with serine, which is neutral and polar, at codon 331 of the PRDM13 protein (p.Gly331Ser).

NM_021620.4(PRDM13):c.991G>A (p.Gly331Ser)

Genes: PRDM13 (PR/SET domain 13; plus strand), LOC129996881 (ATAC-STARR-seq lymphoblastoid silent region 17422; plus strand). Cytogenetic location: 6q16.2.
Variant type: single nucleotide variant.
Coding change: c.991G>A on transcript NM_021620.4 (MANE Select); coding-DNA position 991, G replaced by A.
Protein change: p.Gly331Ser; replaces glycine 331 with serine.
Molecular consequence: missense variant.
Genome position (GRCh38, 1-based): chr6:99,613,626, G>A. VCF-style: chr6-99613626-G-A. GRCh37 (hg19) VCF-style: chr6-100061502-G-A.
Other names: short protein forms G331S.
Identifiers: ClinVar variation 1479252 (VCV001479252.8), dbSNP rs2114500255, ClinGen allele CA365117418.